The following is an entry in ClinVar:

NM_000143.4(FH):c.812A>G (p.Glu271Gly)

Gene: FH (fumarate hydratase; minus strand). Cytogenetic location: 1q43.
Variant type: single nucleotide variant.
Coding change: c.812A>G on transcript NM_000143.4 (MANE Select); coding-DNA position 812, A replaced by G.
Protein change: p.Glu271Gly; replaces glutamic acid 271 with glycine.
Molecular consequence: missense variant.
Genome position (GRCh38, 1-based): chr1:241,506,095, T>C on the plus strand (A>G on the coding strand, the complement: FH is on the minus strand). VCF-style: chr1-241506095-T-C. GRCh37 (hg19) VCF-style: chr1-241669395-T-C.
Other names: short protein forms E271G.
Identifiers: ClinVar variation 1762112 (VCV001762112.3), dbSNP rs2147917640, ClinGen allele CA345438969.

ClinVar aggregate classification (germline): Uncertain significance (1 of 4 stars; one submission).

Conditions:
Hereditary cancer-predisposing syndrome. Also called: Tumor predisposition; Hereditary Cancer Syndrome; Hereditary neoplastic syndrome; Neoplastic Syndromes, Hereditary. Identifiers: Orphanet 140162, MedGen C0027672, MeSH D009386, MONDO:0015356.

Submission:

Ambry Genetics
Classification: Uncertain significance for Hereditary cancer-predisposing syndrome. Last evaluated: 2026-01-29. Review status: criteria provided, single submitter. Criteria: Ambry Variant Classification Scheme 2023. Collection method: clinical testing. Allele origin: germline.
Comment: The p.E271G variant (also known as c.812A>G), located in coding exon 6 of the FH gene, results from an A to G substitution at nucleotide position 812. The glutamic acid at codon 271 is replaced by glycine, an amino acid with similar properties. This amino acid position is well conserved in available vertebrate species. In addition, this alteration is predicted to be deleterious by in silico analysis. Based on the available evidence, the clinical significance of this variant remains unclear.